The following is an entry in ClinVar:

NM_001042517.2(DIAPH3):c.1636G>A (p.Ala546Thr)

Gene: DIAPH3 (diaphanous related formin 3; minus strand). Cytogenetic location: 13q21.2.
Variant type: single nucleotide variant.
Coding change: c.1636G>A on transcript NM_001042517.2 (MANE Select); coding-DNA position 1636, G replaced by A.
Protein change: p.Ala546Thr; replaces alanine 546 with threonine.
Molecular consequence: missense variant.
Genome position (GRCh38, 1-based): chr13:59,974,366, C>T on the plus strand (G>A on the coding strand, the complement: DIAPH3 is on the minus strand). VCF-style: chr13-59974366-C-T. GRCh37 (hg19) VCF-style: chr13-60548500-C-T.
Other names: c.1603G>A, p.Ala535Thr (NM_001258366.2); c.1498G>A, p.Ala500Thr (NM_001258367.2); c.1426G>A, p.Ala476Thr (NM_001258368.2); c.1636G>A, p.Ala546Thr (NM_001258369.2); c.847G>A, p.Ala283Thr (NM_001258370.2, NM_030932.4); short protein forms A476T, A546T, A535T, A283T, A500T.
Identifiers: ClinVar variation 2351495 (VCV002351495.3), dbSNP rs762809019, ClinGen allele CA6996623.

ClinVar aggregate classification (germline): Uncertain significance. Review status: criteria provided, multiple submitters, no conflicts (2 of 4 stars). 2 submissions from 2 submitters: Uncertain significance (2). Last evaluated 2025-06-11.

gnomAD v4.1: 14 of 1,612,250 alleles (0.00087%); highest among the groups gnomAD compares: Admixed American, 0.01%; no homozygotes.

Submissions (2):

Labcorp Genetics (formerly Invitae), Labcorp
Classification: Uncertain significance. Last evaluated: 2025-06-11. Review status: criteria provided, single submitter. Criteria: Invitae Variant Classification Sherloc (09022015). Collection method: clinical testing. Allele origin: germline.
Comment: This sequence change replaces alanine, which is neutral and non-polar, with threonine, which is neutral and polar, at codon 546 of the DIAPH3 protein (p.Ala546Thr). This variant is present in population databases (rs762809019, gnomAD 0.01%). This variant has not been reported in the literature in individuals affected with DIAPH3-related conditions. ClinVar contains an entry for this variant (Variation ID: 2351495). An algorithm developed to predict the effect of missense changes on protein structure and function outputs the following: PolyPhen-2: "Benign". The threonine amino acid residue is found in multiple mammalian species, which suggests that this missense change does not adversely affect protein function. In summary, the available evidence is currently insufficient to determine the role of this variant in disease. Therefore, it has been classified as a Variant of Uncertain Significance.

Ambry Genetics
Classification: Uncertain significance. Last evaluated: 2021-07-26. Review status: criteria provided, single submitter. Criteria: Ambry Variant Classification Scheme 2023. Collection method: clinical testing. Allele origin: germline.